The following is an entry in ClinVar:

NM_181453.4(GCC2):c.952A>G (p.Ile318Val)

Gene: GCC2 (GRIP and coiled-coil domain containing 2; plus strand). Cytogenetic location: 2q12.3.
Variant type: single nucleotide variant.
Coding change: c.952A>G on transcript NM_181453.4 (MANE Select); coding-DNA position 952, A replaced by G.
Protein change: p.Ile318Val; replaces isoleucine 318 with valine.
Molecular consequence: missense variant.
Genome position (GRCh38, 1-based): chr2:108,470,281, A>G. VCF-style: chr2-108470281-A-G. GRCh37 (hg19) VCF-style: chr2-109086737-A-G.
Other names: c.649A>G, p.Ile217Val (NM_001410194.1, NM_014635.3); short protein forms I217V, I318V.
Identifiers: ClinVar variation 3040087 (VCV003040087.2), dbSNP rs200042988, ClinGen allele CA1820454.

ClinVar aggregate classification (germline): Likely benign (0 of 4 stars; one submission).

Conditions:
GCC2-related disorder. Also called: GCC2-related condition.

Allele frequency attached by ClinVar (database versions not stated): ESP Exome Variant Server 0.00008; gnomAD exomes 0.00011; TOPMed 0.00015; gnomAD 0.00017; ExAC 0.00026; 1000 Genomes Project 30x 0.00031; 1000 Genomes Project 0.00040.
gnomAD v4.1: 183 of 1,613,398 alleles (0.011%); highest among the groups gnomAD compares: East Asian, 0.32%; no homozygotes.

Submission:

PreventionGenetics, part of Exact Sciences
Classification: Likely benign for GCC2-related condition. Last evaluated: 2022-03-01. Review status: no assertion criteria provided. Collection method: clinical testing. Allele origin: germline.
Comment: This variant is classified as likely benign based on ACMG/AMP sequence variant interpretation guidelines (Richards et al. 2015 PMID: 25741868, with internal and published modifications).